The following is an entry in ClinVar:

NM_152383.5(DIS3L2):c.2115C>T (p.Arg705=)

Gene: DIS3L2 (DIS3 like 3'-5' exoribonuclease 2; plus strand). Cytogenetic location: 2q37.1.
Variant type: single nucleotide variant.
Coding change: c.2115C>T on transcript NM_152383.5 (MANE Select); coding-DNA position 2115, C replaced by T.
Protein change: p.Arg705=; no amino-acid change (arginine 705 retained).
Molecular consequence: synonymous variant. On other transcripts: non-coding transcript variant (2), intron variant (1).
Genome position (GRCh38, 1-based): chr2:232,333,944, C>T. VCF-style: chr2-232333944-C-T. GRCh37 (hg19) VCF-style: chr2-233198654-C-T.
Other names: c.1582-9401C>T (NM_001257281.2).
Identifiers: ClinVar variation 1129480 (VCV001129480.22), dbSNP rs1695852636, ClinGen allele CA431779467.

ClinVar aggregate classification (germline): Likely benign. Review status: criteria provided, multiple submitters, no conflicts (2 of 4 stars). 2 submissions from 2 submitters: Likely benign (2). Last evaluated 2025-10-07.

Conditions:
Perlman syndrome (PRLMNS). Identifiers: Orphanet 2849, MedGen C0796113, MONDO:0009965, OMIM 267000.

Allele frequency attached by ClinVar (database versions not stated): gnomAD exomes 0.00001; gnomAD 0.00002.
gnomAD v4.1: 6 of 1,612,782 alleles (0.00037%); highest among the groups gnomAD compares: Admixed American, 0.01%; 1 homozygote.

Submissions (2):

Labcorp Genetics (formerly Invitae), Labcorp
Classification: Likely benign for Perlman syndrome. Last evaluated: 2025-10-07. Review status: criteria provided, single submitter. Criteria: Invitae Variant Classification Sherloc (09022015). Collection method: clinical testing. Allele origin: germline.

CeGaT Center for Human Genetics Tuebingen
Classification: Likely benign. Last evaluated: 2024-12-01. Review status: criteria provided, single submitter. Criteria: CeGaT Center For Human Genetics Tuebingen Variant Classification Criteria Version 2. Collection method: clinical testing. Allele origin: germline. Affected: yes. Observed: 1 variant allele.
Comment: DIS3L2: BP4, BP7